The following is an entry in ClinVar:

NM_001122769.3(LCA5):c.1397T>G (p.Met466Arg)

Gene: LCA5 (lebercilin LCA5; minus strand). Cytogenetic location: 6q14.1.
Variant type: single nucleotide variant.
Coding change: c.1397T>G on transcript NM_001122769.3 (MANE Select); coding-DNA position 1397, T replaced by G.
Protein change: p.Met466Arg; replaces methionine 466 with arginine.
Molecular consequence: missense variant.
Genome position (GRCh38, 1-based): chr6:79,487,701, A>C on the plus strand (T>G on the coding strand, the complement: LCA5 is on the minus strand). VCF-style: chr6-79487701-A-C. GRCh37 (hg19) VCF-style: chr6-80197418-A-C.
Other names: c.1397T>G, p.Met466Arg (NM_181714.4); short protein forms M466R.
Identifiers: ClinVar variation 908387 (VCV000908387.13), dbSNP rs1562093393, ClinGen allele CA364640979.

ClinVar aggregate classification (germline): Uncertain significance. Review status: criteria provided, multiple submitters, no conflicts (2 of 4 stars). 3 submissions from 3 submitters: Uncertain significance (2). 1 of the submissions does not count toward it. Last evaluated 2021-08-26.

Conditions:
Leber congenital amaurosis 5 (LCA5). Also called: Amaurosis congenita of Leber, type 5. Identifiers: Orphanet 65, MedGen C1858301, MONDO:0011473, OMIM 604537.

Allele frequency attached by ClinVar (database versions not stated): gnomAD exomes below 0.00001 and 0.00001; TOPMed below 0.00001.
gnomAD v4.1: 7 of 1,613,752 alleles (0.00043%); highest among the groups gnomAD compares: Non-Finnish European, 0.00059%; no homozygotes.

Submissions (3):

Labcorp Genetics (formerly Invitae), Labcorp
Classification: Uncertain significance. Last evaluated: 2021-08-26. Review status: criteria provided, single submitter. Criteria: Invitae Variant Classification Sherloc (09022015). Collection method: clinical testing. Allele origin: germline.
Comment: This sequence change replaces methionine with arginine at codon 466 of the LCA5 protein (p.Met466Arg). The methionine residue is highly conserved and there is a moderate physicochemical difference between methionine and arginine. This variant is not present in population databases (ExAC no frequency). This variant has not been reported in the literature in individuals affected with LCA5-related conditions. Algorithms developed to predict the effect of missense changes on protein structure and function are either unavailable or do not agree on the potential impact of this missense change (SIFT: "Deleterious"; PolyPhen-2: "Possibly Damaging"; Align-GVGD: "Class C0"). In summary, the available evidence is currently insufficient to determine the role of this variant in disease. Therefore, it has been classified as a Variant of Uncertain Significance.

Illumina Laboratory Services, Illumina
Classification: Uncertain significance for Leber congenital amaurosis 5. Last evaluated: 2018-01-12. Review status: criteria provided, single submitter. Criteria: ICSL Variant Classification Criteria 13 December 2019. Collection method: clinical testing. Allele origin: germline.

Natera, Inc.
Classification: Uncertain significance for Leber congenital amaurosis type 5. Last evaluated: 2020-10-23. Review status: no assertion criteria provided. Collection method: clinical testing. Allele origin: germline. Not counted in ClinVar's aggregate classification.